The following is an entry in ClinVar:

NM_002662.5(PLD1):c.2873A>G (p.Gln958Arg)

Gene: PLD1 (phospholipase D1; minus strand). Cytogenetic location: 3q26.31.
Variant type: single nucleotide variant.
Coding change: c.2873A>G on transcript NM_002662.5 (MANE Select); coding-DNA position 2873, A replaced by G.
Protein change: p.Gln958Arg; replaces glutamine 958 with arginine.
Molecular consequence: missense variant.
Genome position (GRCh38, 1-based): chr3:171,612,288, T>C on the plus strand (A>G on the coding strand, the complement: PLD1 is on the minus strand). VCF-style: chr3-171612288-T-C. GRCh37 (hg19) VCF-style: chr3-171330078-T-C.
Other names: c.2759A>G, p.Gln920Arg (NM_001130081.3); short protein forms Q920R, Q958R.
Identifiers: ClinVar variation 2482926 (VCV002482926.3), dbSNP rs780686076, ClinGen allele CA2704100.
Genomic context (GRCh38, chr3:171,612,288, plus strand): 5'-GCGACTGCTGCAGTGGAAATGCATCAGAGAGACACACTTTGGCGGACTGACCTAAAGCAC[T>C]GTAGCCGAAGTCCTCGGGCAAACCGGCCAGCTTGGTACTCTTTTCCATCCATTACTGAAG-3'
Protein context (NP_002653.1, residues 948-968): AGRFARGLRL[Gln958Arg]CFRVVLGYLD

ClinVar aggregate classification (germline): Uncertain significance. Review status: criteria provided, multiple submitters, no conflicts (2 of 4 stars). 2 submissions from 2 submitters: Uncertain significance (2). Last evaluated 2025-10-27.

Conditions:
Inborn genetic diseases. Identifiers: MedGen C0950123, MeSH D030342.

Allele frequency attached by ClinVar (database versions not stated): gnomAD 0.00001; gnomAD exomes 0.00002; TOPMed 0.00002; ExAC 0.00004.
gnomAD v4.1: 35 of 1,613,956 alleles (0.0022%); highest among the groups gnomAD compares: Non-Finnish European, 0.0028%; no homozygotes.

Submissions (2):

Labcorp Genetics (formerly Invitae), Labcorp
Classification: Uncertain significance. Last evaluated: 2025-10-27. Review status: criteria provided, single submitter. Criteria: Invitae Variant Classification Sherloc (09022015). Collection method: clinical testing. Allele origin: germline.
Comment: This sequence change replaces glutamine, which is neutral and polar, with arginine, which is basic and polar, at codon 958 of the PLD1 protein (p.Gln958Arg). This variant is present in population databases (rs780686076, gnomAD 0.006%). This variant has not been reported in the literature in individuals affected with PLD1-related conditions. ClinVar contains an entry for this variant (Variation ID: 2482926). Invitae Evidence Modeling of protein sequence and biophysical properties (such as structural, functional, and spatial information, amino acid conservation, physicochemical variation, residue mobility, and thermodynamic stability) indicates that this missense variant is not expected to disrupt PLD1 protein function with a negative predictive value of 80%. In summary, the available evidence is currently insufficient to determine the role of this variant in disease. Therefore, it has been classified as a Variant of Uncertain Significance.

Ambry Genetics
Classification: Uncertain significance for Inborn genetic diseases. Last evaluated: 2023-02-10. Review status: criteria provided, single submitter. Criteria: Ambry Variant Classification Scheme 2023. Collection method: clinical testing. Allele origin: germline.